The following is an entry in ClinVar:

NM_032119.4(ADGRV1):c.12724G>C (p.Val4242Leu)

Gene: ADGRV1 (adhesion G protein-coupled receptor V1; plus strand). Cytogenetic location: 5q14.3.
Variant type: single nucleotide variant.
Coding change: c.12724G>C on transcript NM_032119.4 (MANE Select); coding-DNA position 12724, G replaced by C.
Protein change: p.Val4242Leu; replaces valine 4242 with leucine.
Molecular consequence: missense variant. On other transcripts: non-coding transcript variant (1).
Genome position (GRCh38, 1-based): chr5:90,778,484, G>C. VCF-style: chr5-90778484-G-C. GRCh37 (hg19) VCF-style: chr5-90074301-G-C.
Other names: short protein forms V4242L.
Identifiers: ClinVar variation 845049 (VCV000845049.10), dbSNP rs1758492939, ClinGen allele CA360387910.

ClinVar aggregate classification (germline): Uncertain significance (1 of 4 stars; one submission).

Submission:

Labcorp Genetics (formerly Invitae), Labcorp
Classification: Uncertain significance. Last evaluated: 2019-12-28. Review status: criteria provided, single submitter. Criteria: Invitae Variant Classification Sherloc (09022015). Collection method: clinical testing. Allele origin: germline.
Comment: In summary, the available evidence is currently insufficient to determine the role of this variant in disease. Therefore, it has been classified as a Variant of Uncertain Significance. Algorithms developed to predict the effect of missense changes on protein structure and function (SIFT, PolyPhen-2, Align-GVGD) all suggest that this variant is likely to be tolerated, but these predictions have not been confirmed by published functional studies and their clinical significance is uncertain. This variant has not been reported in the literature in individuals with ADGRV1-related conditions. This variant is not present in population databases (ExAC no frequency). This sequence change replaces valine with leucine at codon 4242 of the ADGRV1 protein (p.Val4242Leu). The valine residue is weakly conserved and there is a small physicochemical difference between valine and leucine.